The following is an entry in ClinVar:

ClinVar aggregate classification (germline): Likely benign. Review status: criteria provided, single submitter (1 of 4 stars). 2 submissions from 2 submitters: Likely benign (1). 1 of the submissions does not count toward it. Last evaluated 2025-01-01.

Conditions:
CDC42BPB-related disorder.

Allele frequency attached by ClinVar (database versions not stated): ExAC 0.00002; gnomAD exomes 0.00002; TOPMed 0.00002; gnomAD 0.00004; 1000 Genomes Project 30x 0.00016; 1000 Genomes Project 0.00020.
gnomAD v4.1: 30 of 1,609,562 alleles (0.0019%); highest among the groups gnomAD compares: East Asian, 0.011%; no homozygotes.

Submissions (2):

CeGaT Center for Human Genetics Tuebingen
Classification: Likely benign. Last evaluated: 2025-01-01. Review status: criteria provided, single submitter. Criteria: CeGaT Center For Human Genetics Tuebingen Variant Classification Criteria Version 2. Collection method: clinical testing. Allele origin: germline. Affected: yes. Observed: 1 variant allele.
Comment: CDC42BPB: BP4, BP7

PreventionGenetics, part of Exact Sciences
Classification: Likely benign for CDC42BPB-related condition. Last evaluated: 2019-05-24. Review status: no assertion criteria provided. Collection method: clinical testing. Allele origin: germline. Not counted in ClinVar's aggregate classification.
Comment: This variant is classified as likely benign based on ACMG/AMP sequence variant interpretation guidelines (Richards et al. 2015 PMID: 25741868, with internal and published modifications).

NM_006035.4(CDC42BPB):c.435C>T (p.Asp145=)

Gene: CDC42BPB (CDC42 binding protein kinase beta; minus strand). Cytogenetic location: 14q32.32.
Variant type: single nucleotide variant.
Coding change: c.435C>T on transcript NM_006035.4 (MANE Select); coding-DNA position 435, C replaced by T.
Protein change: p.Asp145=; no amino-acid change (aspartic acid 145 retained).
Molecular consequence: synonymous variant.
Genome position (GRCh38, 1-based): chr14:103,003,940, G>A on the plus strand (C>T on the coding strand, the complement: CDC42BPB is on the minus strand). VCF-style: chr14-103003940-G-A. GRCh37 (hg19) VCF-style: chr14-103470277-G-A.
Other names: c.435C>T, p.Asp145= (NM_001411054.1).
Identifiers: ClinVar variation 3039639 (VCV003039639.15), dbSNP rs537108285, ClinGen allele CA7361674.